The following is an entry in ClinVar:

ClinVar aggregate classification (germline): Conflicting classifications of pathogenicity. Review status: criteria provided, conflicting classifications (1 of 4 stars). 5 submissions from 5 submitters: Uncertain significance (4); Benign (1). Last evaluated 2025-11-19.

Conditions:
Cardiovascular phenotype. Identifiers: MedGen CN230736.
Andersen Tawil syndrome (LQT7). Also called: ANDERSEN CARDIODYSRHYTHMIC PERIODIC PARALYSIS; Andersen Syndrome; LONG QT SYNDROME 7; Potassium-sensitive periodic paralysis, ventricular ectopy, and dysmorphic features; PERIODIC PARALYSIS, POTASSIUM-SENSITIVE CARDIODYSRHYTHMIC TYPE. Identifiers: Orphanet 37553, MedGen C1563715, MONDO:0008222, OMIM 170390.
Short QT syndrome type 3. Identifiers: Orphanet 51083, MedGen C1865018, MONDO:0012314, OMIM 609622.

Allele frequency attached by ClinVar (database versions not stated): gnomAD exomes 0.00001; ExAC 0.00002; TOPMed 0.00002; gnomAD 0.00003; ESP Exome Variant Server 0.00008.
gnomAD v4.1: 8 of 1,614,002 alleles (0.0005%); highest among the groups gnomAD compares: African/African-American, 0.008%; no homozygotes.

Submissions (5):

Women's Health and Genetics/Laboratory Corporation of America, LabCorp
Classification: Uncertain significance. Last evaluated: 2025-11-19. Review status: criteria provided, single submitter. Criteria: LabCorp Variant Classification Summary - May 2015. Collection method: clinical testing. Allele origin: germline.
Comment: Variant summary: KCNJ2 c.359A>C (p.Lys120Thr) results in a non-conservative amino acid change in the encoded protein sequence. Algorithms developed to predict the effect of missense changes on protein structure and function are either unavailable or do not agree on the potential impact of this missense change. The variant allele was found at a frequency of 1.2e-05 in 251476 control chromosomes. The available data on variant occurrences in the general population are insufficient to allow any conclusion about variant significance. c.359A>C has been observed in the presumed heterozygous state in at least 1 individual(s) with Sudden Cardiac Death (example, Shanks_2018). These report(s) do not provide unequivocal conclusions about association of the variant with KCNJ2-related conditions. To our knowledge, no experimental evidence demonstrating an impact on protein function has been reported. The following publication has been ascertained in the context of this evaluation (PMID: 29915097). ClinVar contains an entry for this variant (Variation ID: 432434). Based on the evidence outlined above, the variant was classified as uncertain significance.

Labcorp Genetics (formerly Invitae), Labcorp
Classification: Uncertain significance for Short QT syndrome type 3; Andersen Tawil syndrome. Last evaluated: 2025-11-13. Review status: criteria provided, single submitter. Criteria: Invitae Variant Classification Sherloc (09022015). Collection method: clinical testing. Allele origin: germline.
Comment: This sequence change replaces lysine, which is basic and polar, with threonine, which is neutral and polar, at codon 120 of the KCNJ2 protein (p.Lys120Thr). This variant is present in population databases (rs375646186, gnomAD 0.01%). This missense change has been observed in individual(s) with sudden unexplained death (PMID: 29915097). ClinVar contains an entry for this variant (Variation ID: 432434). Invitae Evidence Modeling of protein sequence and biophysical properties (such as structural, functional, and spatial information, amino acid conservation, physicochemical variation, residue mobility, and thermodynamic stability) indicates that this missense variant is not expected to disrupt KCNJ2 protein function with a negative predictive value of 95%. In summary, the available evidence is currently insufficient to determine the role of this variant in disease. Therefore, it has been classified as a Variant of Uncertain Significance.

Ambry Genetics
Classification: Benign for Cardiovascular phenotype. Last evaluated: 2023-04-10. Review status: criteria provided, single submitter. Criteria: Ambry Variant Classification Scheme 2023. Collection method: clinical testing. Allele origin: germline.

ARUP Laboratories, Molecular Genetics and Genomics, ARUP Laboratories
Classification: Uncertain significance. Last evaluated: 2019-12-09. Review status: criteria provided, single submitter. Criteria: ARUP Molecular Germline Variant Investigation Process. Collection method: clinical testing. Allele origin: germline.
Comment: The KCNJ2 c.359A>C; p.Lys120Thr variant (rs375646186) is reported in the literature in a single individuals affected with sudden unexplained death syndrome (Shanks 2018). This variant is reported in ClinVar (Variation ID: 432434), and is only observed on three alleles in the Genome Aggregation Database, indicating it is not a common polymorphism. The lysine at codon 120 is highly conserved, but computational analyses (SIFT, PolyPhen-2) predict that this variant is tolerated. Due to limited information, the clinical significance of the p.Lys120Thr variant is uncertain at this time. References: Shanks et al. Importance of Variant Interpretation in Whole-Exome Molecular Autopsy: Population-Based Case Series. Circulation. 2018 Jun 19;137(25):2705-2715.

GeneDx
Classification: Uncertain significance. Last evaluated: 2017-05-30. Review status: criteria provided, single submitter. Criteria: GeneDx Variant Classification (06012015). Collection method: clinical testing. Allele origin: germline. Affected: yes.
Comment: The K120T variant has not been publishedas pathogenic or been reported as benign to our knowledge. Furthermore, it is not observed at a significant frequencyin large population cohorts (Lek et al., 2016; 1000 Genomes Consortium et al., 2015; Exome Variant Server). TheK120T variant is a semi-conservative amino acid substitution, which may impact secondary protein structure as theseresidues differ in some properties. In addition, this substitution occurs at a position that is conserved throughmammals. Nonetheless, in silico analysis is inconsistent in its predictions as to whether or not the variant isdamaging to the protein structure/function.

Literature cited by the submitters: PubMed 29915097 (cited by 3 submitters).

NM_000891.3(KCNJ2):c.359A>C (p.Lys120Thr)

Gene: KCNJ2 (potassium inwardly rectifying channel subfamily J member 2; plus strand). Cytogenetic location: 17q24.3.
Variant type: single nucleotide variant.
Coding change: c.359A>C on transcript NM_000891.3 (MANE Select); coding-DNA position 359, A replaced by C.
Protein change: p.Lys120Thr; replaces lysine 120 with threonine.
Molecular consequence: missense variant.
Genome position (GRCh38, 1-based): chr17:70,175,398, A>C. VCF-style: chr17-70175398-A-C. GRCh37 (hg19) VCF-style: chr17-68171539-A-C.
Other names: short protein forms K120T.
Identifiers: ClinVar variation 432434 (VCV000432434.18), dbSNP rs375646186, ClinGen allele CA8738720.
Genomic context (GRCh38, chr17:70,175,398, plus strand): 5'-GCTGTGTGTTTTGGTTGATAGCTCTGCTCCATGGGGACCTGGATGCATCCAAAGAGGGCA[A>C]AGCTTGTGTGTCCGAGGTCAACAGCTTCACGGCTGCCTTCCTCTTCTCCATTGAGACCCA-3'
Protein context (NP_000882.1, residues 110-130): HGDLDASKEG[Lys120Thr]ACVSEVNSFT